The following is an entry in ClinVar:

NM_000443.4(ABCB4):c.1893+34G>C

Gene: ABCB4 (ATP binding cassette subfamily B member 4; minus strand). Cytogenetic location: 7q21.12.
Variant type: single nucleotide variant.
Coding change: c.1893+34G>C on transcript NM_000443.4 (MANE Select); 34 bases into the intron after coding-DNA position 1893, G replaced by C.
Molecular consequence: intron variant.
Genome position (GRCh38, 1-based): chr7:87,431,370, C>G on the plus strand (G>C on the coding strand, the complement: ABCB4 is on the minus strand). VCF-style: chr7-87431370-C-G. GRCh37 (hg19) VCF-style: chr7-87060686-C-G.
Other names: c.1893+34G>C (NM_018850.3, NM_018849.3).
Identifiers: ClinVar variation 4846347 (VCV004846347.1).

ClinVar aggregate classification (germline): Likely benign (1 of 4 stars; one submission).

Conditions:
Familial intrahepatic cholestasis. Identifiers: Orphanet 284385, MedGen CN296401, MONDO:0017290.
Low phospholipid associated cholelithiasis (GBD1). Also called: Gallbladder disease 1; Gallstone cholecystitis. Identifiers: Orphanet 69663, MedGen C2609268, MONDO:0010939, OMIM 600803.

gnomAD v4.1: 26 of 1,613,504 alleles (0.0016%); highest among the groups gnomAD compares: Non-Finnish European, 0.0019%; no homozygotes.

Submission:

Genomenon, Inc
Classification: Likely benign for Familial intrahepatic cholestasis; Low phospholipid associated cholelithiasis. Last evaluated: 2026-04-14. Review status: criteria provided, single submitter. Criteria: Genomenon Sequence Variant Interpretation Standards - Updated. Collection method: curation. Allele origin: germline. Affected: no.
Comment: ABCB4 c.1893+34G>C is an intronic variant located in intron 15. This variant has been reported in the published literature (PMID:19467940). It is absent or not present at a significant frequency in gnomAD. This intronic variant is not predicted to impact splicing. In conclusion, we classify ABCB4 c.1893+34G>C as a likely benign variant.

Literature cited by the submitters: PubMed 19467940.